The following is an entry in ClinVar:

ClinVar aggregate classification (germline): Uncertain significance (1 of 4 stars; one submission).

Submission:

Labcorp Genetics (formerly Invitae), Labcorp
Classification: Uncertain significance. Last evaluated: 2024-11-18. Review status: criteria provided, single submitter. Criteria: Invitae Variant Classification Sherloc (09022015). Collection method: clinical testing. Allele origin: germline.
Comment: This sequence change replaces alanine, which is neutral and non-polar, with proline, which is neutral and non-polar, at codon 21 of the NDUFS4 protein (p.Ala21Pro). This variant is not present in population databases (gnomAD no frequency). This variant has not been reported in the literature in individuals affected with NDUFS4-related conditions. ClinVar contains an entry for this variant (Variation ID: 2009147). An algorithm developed to predict the effect of missense changes on protein structure and function (PolyPhen-2) suggests that this variant is likely to be tolerated. In summary, the available evidence is currently insufficient to determine the role of this variant in disease. Therefore, it has been classified as a Variant of Uncertain Significance.

NM_002495.4(NDUFS4):c.61G>C (p.Ala21Pro)

Genes: NDUFS4 (NADH:ubiquinone oxidoreductase subunit S4; plus strand), LOC129993885 (ATAC-STARR-seq lymphoblastoid active region 22547; plus strand). Cytogenetic location: 5q11.2.
Variant type: single nucleotide variant.
Coding change: c.61G>C on transcript NM_002495.4 (MANE Select); coding-DNA position 61, G replaced by C.
Protein change: p.Ala21Pro; replaces alanine 21 with proline.
Molecular consequence: missense variant. On other transcripts: non-coding transcript variant (3).
Genome position (GRCh38, 1-based): chr5:53,560,723, G>C. VCF-style: chr5-53560723-G-C. GRCh37 (hg19) VCF-style: chr5-52856553-G-C.
Other names: c.61G>C, p.Ala21Pro (NM_001318051.2); short protein forms A21P.
Identifiers: ClinVar variation 2009147 (VCV002009147.4), dbSNP rs2478566564, ClinGen allele CA359719035.